The following is an entry in ClinVar:

NM_001354930.2(RIPK1):c.1955C>T (p.Ala652Val)

Gene: RIPK1 (receptor interacting serine/threonine kinase 1; plus strand). Cytogenetic location: 6p25.2.
Variant type: single nucleotide variant.
Coding change: c.1955C>T on transcript NM_001354930.2 (MANE Select); coding-DNA position 1955, C replaced by T.
Protein change: p.Ala652Val; replaces alanine 652 with valine.
Molecular consequence: missense variant.
Genome position (GRCh38, 1-based): chr6:3,113,278, C>T. VCF-style: chr6-3113278-C-T. GRCh37 (hg19) VCF-style: chr6-3113512-C-T.
Other names: c.1466C>T, p.Ala489Val (NM_001317061.3, NM_001354932.2, NM_001354933.2 and 1 more transcripts); c.1817C>T, p.Ala606Val (NM_001354931.2); c.1955C>T, p.Ala652Val (NM_003804.6); short protein forms A489V, A606V, A652V.
Identifiers: ClinVar variation 1006185 (VCV001006185.9), dbSNP rs115355023, ClinGen allele CA3618542.
Genomic context (GRCh38, chr6:3,113,278, plus strand): 5'-TCCAAAAGTGGGTGATGAGGGAAGGCATAAAGGGAGCCACGGTGGGGAAGCTGGCCCAGG[C>T]GCTCCACCAGTGTTCCAGGATCGACCTTCTGAGCAGCTTGATTTACGTCAGCCAGAACTA-3'
Protein context (NP_001341859.1, residues 642-662): KGATVGKLAQ[Ala652Val]LHQCSRIDLL

ClinVar aggregate classification (germline): Uncertain significance. Review status: criteria provided, multiple submitters, no conflicts (2 of 4 stars). 2 submissions from 2 submitters: Uncertain significance (2). Last evaluated 2025-10-06.

Allele frequency attached by ClinVar (database versions not stated): ESP Exome Variant Server 0.00008; gnomAD 0.00009; ExAC 0.00011; TOPMed 0.00011; gnomAD exomes 0.00014.
gnomAD v4.1: 65 of 1,613,986 alleles (0.004%); highest among the groups gnomAD compares: East Asian, 0.076%; no homozygotes.

Submissions (2):

Labcorp Genetics (formerly Invitae), Labcorp
Classification: Uncertain significance. Last evaluated: 2025-10-06. Review status: criteria provided, single submitter. Criteria: Invitae Variant Classification Sherloc (09022015). Collection method: clinical testing. Allele origin: germline.
Comment: This sequence change replaces alanine, which is neutral and non-polar, with valine, which is neutral and non-polar, at codon 652 of the RIPK1 protein (p.Ala652Val). This variant is present in population databases (rs115355023, gnomAD 0.2%). This variant has not been reported in the literature in individuals affected with RIPK1-related conditions. ClinVar contains an entry for this variant (Variation ID: 1006185). An algorithm developed to predict the effect of missense changes on protein structure and function outputs the following: PolyPhen-2: "Benign". The valine amino acid residue is found in multiple mammalian species, which suggests that this missense change does not adversely affect protein function. In summary, the available evidence is currently insufficient to determine the role of this variant in disease. Therefore, it has been classified as a Variant of Uncertain Significance.

Institute for Clinical Genetics, University Hospital TU Dresden, University Hospital TU Dresden
Classification: Uncertain significance. Last evaluated: 2022-07-28. Review status: criteria provided, single submitter. Criteria: ACMG Guidelines, 2015. Collection method: clinical testing. Allele origin: germline.
Comment: PP3